The following is an entry in ClinVar:

NM_015338.6(ASXL1):c.4511T>C (p.Leu1504Pro)

Gene: ASXL1 (ASXL transcriptional regulator 1; plus strand). Cytogenetic location: 20q11.21.
Variant type: single nucleotide variant.
Coding change: c.4511T>C on transcript NM_015338.6 (MANE Select); coding-DNA position 4511, T replaced by C.
Protein change: p.Leu1504Pro; replaces leucine 1504 with proline.
Molecular consequence: missense variant.
Genome position (GRCh38, 1-based): chr20:32,437,223, T>C. VCF-style: chr20-32437223-T-C. GRCh37 (hg19) VCF-style: chr20-31025026-T-C.
Other names: c.4328T>C, p.Leu1443Pro (NM_001363734.1); short protein forms L1443P, L1504P.
Identifiers: ClinVar variation 3617397 (VCV003617397.3).

ClinVar aggregate classification (germline): Uncertain significance. Review status: criteria provided, multiple submitters, no conflicts (2 of 4 stars). 2 submissions from 2 submitters: Uncertain significance (2). Last evaluated 2025-04-23.

Conditions:
Inborn genetic diseases. Identifiers: MedGen C0950123, MeSH D030342.

Submissions (2):

Labcorp Genetics (formerly Invitae), Labcorp
Classification: Uncertain significance. Last evaluated: 2025-04-23. Review status: criteria provided, single submitter. Criteria: Invitae Variant Classification Sherloc (09022015). Collection method: clinical testing. Allele origin: germline.
Comment: This sequence change replaces leucine, which is neutral and non-polar, with proline, which is neutral and non-polar, at codon 1504 of the ASXL1 protein (p.Leu1504Pro). This variant is not present in population databases (gnomAD no frequency). This variant has not been reported in the literature in individuals affected with ASXL1-related conditions. ClinVar contains an entry for this variant (Variation ID: 3617397). An algorithm developed to predict the effect of missense changes on protein structure and function (PolyPhen-2) suggests that this variant is likely to be disruptive. In summary, the available evidence is currently insufficient to determine the role of this variant in disease. Therefore, it has been classified as a Variant of Uncertain Significance.

Ambry Genetics
Classification: Uncertain significance for Inborn genetic diseases. Last evaluated: 2025-03-26. Review status: criteria provided, single submitter. Criteria: Ambry Variant Classification Scheme 2023. Collection method: clinical testing. Allele origin: germline.
Comment: The p.L1504P variant (also known as c.4511T>C), located in coding exon 13 of the ASXL1 gene, results from a T to C substitution at nucleotide position 4511. The leucine at codon 1504 is replaced by proline, an amino acid with similar properties. This amino acid position is conserved. In addition, the in silico prediction for this alteration is inconclusive. Based on the available evidence, the clinical significance of this variant remains unclear.